The following is an entry in ClinVar:

ClinVar aggregate classification (germline): Uncertain significance. Review status: criteria provided, multiple submitters, no conflicts (2 of 4 stars). 2 submissions from 2 submitters: Uncertain significance (2). Last evaluated 2025-07-01.

Conditions:
Kabuki syndrome 2 (KABUK2). Also called: KDM6A-Related Kabuki Syndrome. Identifiers: Orphanet 2322, MedGen C3275495, MONDO:0010465, OMIM 300867.

Allele frequency attached by ClinVar (database versions not stated): ExAC 0.00001; gnomAD exomes 0.00001; TOPMed 0.00001.

Submissions (2):

Labcorp Genetics (formerly Invitae), Labcorp
Classification: Uncertain significance for Kabuki syndrome 2. Last evaluated: 2025-07-01. Review status: criteria provided, single submitter. Criteria: Invitae Variant Classification Sherloc (09022015). Collection method: clinical testing. Allele origin: germline.
Comment: This sequence change replaces lysine, which is basic and polar, with arginine, which is basic and polar, at codon 178 of the KDM6A protein (p.Lys178Arg). This variant is present in population databases (rs758358984, gnomAD 0.001%), including at least one homozygous and/or hemizygous individual. This variant has not been reported in the literature in individuals affected with KDM6A-related conditions. ClinVar contains an entry for this variant (Variation ID: 1698508). Invitae Evidence Modeling of protein sequence and biophysical properties (such as structural, functional, and spatial information, amino acid conservation, physicochemical variation, residue mobility, and thermodynamic stability) has been performed for this missense variant. However, the output from this modeling did not meet the statistical confidence thresholds required to predict the impact of this variant on KDM6A protein function. In summary, the available evidence is currently insufficient to determine the role of this variant in disease. Therefore, it has been classified as a Variant of Uncertain Significance.

Women's Health and Genetics/Laboratory Corporation of America, LabCorp
Classification: Uncertain significance. Last evaluated: 2022-06-07. Review status: criteria provided, single submitter. Criteria: LabCorp Variant Classification Summary - May 2015. Collection method: clinical testing. Allele origin: germline.
Comment: Variant summary: KDM6A c.533A>G (p.Lys178Arg) results in a conservative amino acid change in the encoded protein sequence. Three of five in-silico tools predict a damaging effect of the variant on protein function. The variant allele was found at a frequency of 5.5e-06 in 183409 control chromosomes. The available data on variant occurrences in the general population are insufficient to allow any conclusion about variant significance. To our knowledge, no occurrence of c.533A>G in individuals affected with Kabuki Syndrome 2 and no experimental evidence demonstrating its impact on protein function have been reported. No clinical diagnostic laboratories have submitted clinical-significance assessments for this variant to ClinVar after 2014. Based on the evidence outlined above, the variant was classified as uncertain significance.

NM_001291415.2(KDM6A):c.533A>G (p.Lys178Arg)

Gene: KDM6A (lysine demethylase 6A; plus strand). Cytogenetic location: Xp11.3.
Variant type: single nucleotide variant.
Coding change: c.533A>G on transcript NM_001291415.2 (MANE Select); coding-DNA position 533, A replaced by G.
Protein change: p.Lys178Arg; replaces lysine 178 with arginine.
Molecular consequence: missense variant. On other transcripts: non-coding transcript variant (1), intron variant (1).
Genome position (GRCh38, 1-based): chrX:45,020,699, A>G. VCF-style: chrX-45020699-A-G. GRCh37 (hg19) VCF-style: chrX-44879944-A-G.
Other names: c.533A>G, p.Lys178Arg (NM_021140.4, NM_001291416.2, NM_001291417.2 and 1 more transcripts); c.-190+9680A>G (NM_001291421.2); short protein forms K178R.
Identifiers: ClinVar variation 1698508 (VCV001698508.4), dbSNP rs758358984, ClinGen allele CA10392198.